The following is an entry in ClinVar:

NM_001130987.2(DYSF):c.4528-2A>G

Gene: DYSF (dysferlin; plus strand). Cytogenetic location: 2p13.2.
Variant type: single nucleotide variant.
Coding change: c.4528-2A>G on transcript NM_001130987.2 (MANE Select); the canonical splice acceptor site of the intron before coding-DNA position 4528, A replaced by G.
Molecular consequence: splice acceptor variant.
Genome position (GRCh38, 1-based): chr2:71,643,963, A>G. VCF-style: chr2-71643963-A-G. GRCh37 (hg19) VCF-style: chr2-71871093-A-G.
Other names: c.4504-2A>G (NM_001130979.2); c.4525-2A>G (NM_001130981.2); c.4462-2A>G (NM_001130980.2); c.4474-2A>G (NM_001130978.2); c.4411-2A>G (NM_003494.4); c.4432-2A>G (NM_001130977.2); c.4369-2A>G (NM_001130976.2); c.4507-2A>G (NM_001130982.2); and 5 more.
Identifiers: ClinVar variation 550866 (VCV000550866.10), dbSNP rs1213965862, ClinGen allele CA347217740.
Genomic context (GRCh38, chr2:71,643,963, plus strand): 5'-CTGAAGAATGCTGCTTGGCGAGTCCTGTTTCTGAAATGGTCTCTTTCTTTCTACCCACTC[A>G]GGAGGAAGAGTTCATCGATTGGTGGAGCAAATTCTTTGCCTCCATAGGGGAGAGGGAAAA-3'

ClinVar aggregate classification (germline): Likely pathogenic. Review status: criteria provided, multiple submitters, no conflicts (2 of 4 stars). 4 submissions from 4 submitters: Likely pathogenic (3). 1 of the submissions does not count toward it. Last evaluated 2023-10-30.

Conditions:
Autosomal recessive limb-girdle muscular dystrophy type 2B (LGMDR2). Also called: MUSCULAR DYSTROPHY, LIMB-GIRDLE, TYPE 3; MUSCULAR DYSTROPHY, LIMB-GIRDLE, AUTOSOMAL RECESSIVE 2; Limb-Girdle Muscular Dystrophy Type 2B (LGMD2B); Limb-girdle muscular dystrophy, type 2B. Identifiers: Orphanet 268, MedGen C1850889, MONDO:0009676, OMIM 253601.
Neuromuscular disease caused by qualitative or quantitative defects of dysferlin. Also called: Qualitative or quantitative defects of dysferlin; Dysferlinopathy. Identifiers: Orphanet 207073, MedGen C2931687, MONDO:0016145.

Allele frequency attached by ClinVar (database versions not stated): gnomAD exomes below 0.00001; gnomAD 0.00001; TOPMed 0.00001.
gnomAD v4.1: 6 of 1,606,786 alleles (0.00037%); highest among the groups gnomAD compares: Non-Finnish European, 0.00051%; no homozygotes.

Submissions (4):

Labcorp Genetics (formerly Invitae), Labcorp
Classification: Likely pathogenic for Neuromuscular disease caused by qualitative or quantitative defects of dysferlin. Last evaluated: 2023-10-30. Review status: criteria provided, single submitter. Criteria: Invitae Variant Classification Sherloc (09022015). Collection method: clinical testing. Allele origin: germline.
Comment: This sequence change affects an acceptor splice site in intron 40 of the DYSF gene. It is expected to disrupt RNA splicing. Variants that disrupt the donor or acceptor splice site typically lead to a loss of protein function (PMID: 16199547), and loss-of-function variants in DYSF are known to be pathogenic (PMID: 17698709, 20301480). This variant is present in population databases (no rsID available, gnomAD 0.007%). This variant has not been reported in the literature in individuals affected with DYSF-related conditions. ClinVar contains an entry for this variant (Variation ID: 550866). Algorithms developed to predict the effect of sequence changes on RNA splicing suggest that this variant may disrupt the consensus splice site. In summary, the currently available evidence indicates that the variant is pathogenic, but additional data are needed to prove that conclusively. Therefore, this variant has been classified as Likely Pathogenic.

Revvity Omics, Revvity
Classification: Likely pathogenic. Last evaluated: 2020-02-18. Review status: criteria provided, single submitter. Criteria: ACMG Guidelines, 2015. Collection method: clinical testing. Allele origin: germline.

Laboratory of Inherited Metabolic Diseases, Research centre for medical genetics
Classification: Likely pathogenic for Dysferlinopathy. Last evaluated: 2020-02-11. Review status: criteria provided, single submitter. Criteria: ACMG Guidelines, 2015. Collection method: clinical testing. Allele origin: germline. Inheritance: Autosomal recessive inheritance. Affected: yes. Observed: 1 variant allele.
Comment: found in compound with c.2423G>A

Counsyl
Classification: Likely pathogenic for Autosomal recessive limb-girdle muscular dystrophy type 2B. Last evaluated: 2017-03-13. Review status: no assertion criteria provided. Collection method: clinical testing. Allele origin: unknown. Not counted in ClinVar's aggregate classification.

Literature cited by the submitters: PubMed 16199547 (cited by Labcorp Genetics (formerly Invitae), Labcorp); PubMed 17698709 (cited by Labcorp Genetics (formerly Invitae), Labcorp); PubMed 20301480 (cited by Labcorp Genetics (formerly Invitae), Labcorp).